The following is an entry in ClinVar:

ClinVar aggregate classification (germline): Uncertain significance. Review status: criteria provided, multiple submitters, no conflicts (2 of 4 stars). 3 submissions from 3 submitters: Uncertain significance (3). Last evaluated 2024-07-05.

Conditions:
Inborn genetic diseases. Identifiers: MedGen C0950123, MeSH D030342.
Jeune thoracic dystrophy. Also called: Jeune syndrome; Infantile thoracic dystrophy; Thoracic pelvic phalangeal dystrophy; Jeune's syndrome; Chondroectodermal dysplasia-like syndrome; Short-rib thoracic dysplasia. Identifiers: Orphanet 474, MedGen C0265275, MONDO:0018770.
Asphyxiating thoracic dystrophy 2 (SRTD2). Also called: SHORT-RIB THORACIC DYSPLASIA 2 WITH POLYDACTYLY; SHORT-RIB THORACIC DYSPLASIA 2 WITHOUT POLYDACTYLY; SHORT-RIB THORACIC DYSPLASIA 2 WITH OR WITHOUT POLYDACTYLY. Identifiers: Orphanet 474, MedGen C1970005, MONDO:0012644, OMIM 611263.

Allele frequency attached by ClinVar (database versions not stated): TOPMed 0.00001.
gnomAD v4.1: 25 of 1,592,628 alleles (0.0016%); highest among the groups gnomAD compares: Middle Eastern, 0.02%; no homozygotes.

Submissions (3):

Ambry Genetics
Classification: Uncertain significance for Inborn genetic diseases. Last evaluated: 2024-07-05. Review status: criteria provided, single submitter. Criteria: Ambry Variant Classification Scheme 2023. Collection method: clinical testing. Allele origin: germline.

Fulgent Genetics
Classification: Uncertain significance for Asphyxiating thoracic dystrophy 2. Last evaluated: 2024-05-23. Review status: criteria provided, single submitter. Criteria: ACMG Guidelines, 2015. Collection method: clinical testing. Allele origin: germline.

Labcorp Genetics (formerly Invitae), Labcorp
Classification: Uncertain significance for Jeune thoracic dystrophy. Last evaluated: 2022-08-16. Review status: criteria provided, single submitter. Criteria: Invitae Variant Classification Sherloc (09022015). Collection method: clinical testing. Allele origin: germline.
Comment: This sequence change replaces glutamic acid, which is acidic and polar, with lysine, which is basic and polar, at codon 499 of the IFT80 protein (p.Glu499Lys). The frequency data for this variant in the population databases is considered unreliable, as metrics indicate poor data quality at this position in the gnomAD database. This variant has not been reported in the literature in individuals affected with IFT80-related conditions. ClinVar contains an entry for this variant (Variation ID: 971377). Algorithms developed to predict the effect of missense changes on protein structure and function (SIFT, PolyPhen-2, Align-GVGD) all suggest that this variant is likely to be tolerated. In summary, the available evidence is currently insufficient to determine the role of this variant in disease. Therefore, it has been classified as a Variant of Uncertain Significance.

NM_020800.3(IFT80):c.1495G>A (p.Glu499Lys)

Genes: IFT80 (intraflagellar transport 80; minus strand), TRIM59-IFT80 (TRIM59-IFT80 readthrough (NMD candidate); minus strand). Cytogenetic location: 3q25.33.
Variant type: single nucleotide variant.
Coding change: c.1495G>A on transcript NM_020800.3 (MANE Select); coding-DNA position 1495, G replaced by A.
Protein change: p.Glu499Lys; replaces glutamic acid 499 with lysine.
Molecular consequence: missense variant. On other transcripts: non-coding transcript variant (3).
Genome position (GRCh38, 1-based): chr3:160,282,499, C>T on the plus strand (G>A on the coding strand, the complement: IFT80 is on the minus strand). VCF-style: chr3-160282499-C-T. GRCh37 (hg19) VCF-style: chr3-160000287-C-T.
Other names: c.1084G>A, p.Glu362Lys (NM_001190241.2, NM_001190242.2); short protein forms E362K, E499K.
Identifiers: ClinVar variation 971377 (VCV000971377.9), dbSNP rs555093543, ClinGen allele CA86551742.